The following is an entry in ClinVar:

NM_015259.6(ICOSLG):c.394C>G (p.Leu132Val)

Gene: ICOSLG (inducible T cell costimulator ligand; minus strand). Cytogenetic location: 21q22.3.
Variant type: single nucleotide variant.
Coding change: c.394C>G on transcript NM_015259.6 (MANE Select); coding-DNA position 394, C replaced by G.
Protein change: p.Leu132Val; replaces leucine 132 with valine.
Molecular consequence: missense variant. On other transcripts: intron variant (1).
Genome position (GRCh38, 1-based): chr21:44,236,879, G>C on the plus strand (C>G on the coding strand, the complement: ICOSLG is on the minus strand). VCF-style: chr21-44236879-G-C. GRCh37 (hg19) VCF-style: chr21-45656762-G-C.
Other names: c.394C>G, p.Leu132Val (NM_001283050.2, NM_001395918.1); c.139C>G, p.Leu47Val (NM_001283052.2); c.313C>G, p.Leu105Val (NM_001365759.2); c.56-1317C>G (NM_001283051.2); short protein forms L105V, L132V, L47V.
Identifiers: ClinVar variation 2857936 (VCV002857936.3), dbSNP rs143732579, ClinGen allele CA410615788.

ClinVar aggregate classification (germline): Uncertain significance (1 of 4 stars; one submission).

Submission:

Labcorp Genetics (formerly Invitae), Labcorp
Classification: Uncertain significance. Last evaluated: 2023-04-20. Review status: criteria provided, single submitter. Criteria: Invitae Variant Classification Sherloc (09022015). Collection method: clinical testing. Allele origin: germline.
Comment: This sequence change replaces leucine, which is neutral and non-polar, with valine, which is neutral and non-polar, at codon 132 of the ICOSLG protein (p.Leu132Val). This variant is not present in population databases (gnomAD no frequency). This variant has not been reported in the literature in individuals affected with ICOSLG-related conditions. An algorithm developed to predict the effect of missense changes on protein structure and function (PolyPhen-2) suggests that this variant is likely to be disruptive. In summary, the available evidence is currently insufficient to determine the role of this variant in disease. Therefore, it has been classified as a Variant of Uncertain Significance.